The following is an entry in ClinVar:

ClinVar aggregate classification (germline): Uncertain significance (1 of 4 stars; one submission).

Conditions:
Hereditary spastic paraplegia 4. Also called: Spastic paraplegia 4, autosomal dominant; Spastic Paraplegia 4; Familial spastic paraplegia autosomal dominant 2. Identifiers: Orphanet 100985, MedGen C1866855, MONDO:0008438, OMIM 182601.

Submission:

Labcorp Genetics (formerly Invitae), Labcorp
Classification: Uncertain significance for Hereditary spastic paraplegia 4. Last evaluated: 2024-11-25. Review status: criteria provided, single submitter. Criteria: Invitae Variant Classification Sherloc (09022015). Collection method: clinical testing. Allele origin: germline.
Comment: This sequence change replaces glycine, which is neutral and non-polar, with alanine, which is neutral and non-polar, at codon 159 of the SPAST protein (p.Gly159Ala). This variant is not present in population databases (gnomAD no frequency). This variant has not been reported in the literature in individuals affected with SPAST-related conditions. Invitae Evidence Modeling of protein sequence and biophysical properties (such as structural, functional, and spatial information, amino acid conservation, physicochemical variation, residue mobility, and thermodynamic stability) indicates that this missense variant is expected to disrupt SPAST protein function with a positive predictive value of 80%. In summary, the available evidence is currently insufficient to determine the role of this variant in disease. Therefore, it has been classified as a Variant of Uncertain Significance.

NM_014946.4(SPAST):c.476G>C (p.Gly159Ala)

Gene: SPAST (spastin; plus strand). Cytogenetic location: 2p22.3.
Variant type: single nucleotide variant.
Coding change: c.476G>C on transcript NM_014946.4 (MANE Select); coding-DNA position 476, G replaced by C.
Protein change: p.Gly159Ala; replaces glycine 159 with alanine.
Molecular consequence: missense variant.
Genome position (GRCh38, 1-based): chr2:32,087,552, G>C. VCF-style: chr2-32087552-G-C. GRCh37 (hg19) VCF-style: chr2-32312621-G-C.
Other names: c.473G>C, p.Gly158Ala (NM_001363823.2, NM_001363875.2); c.476G>C, p.Gly159Ala (NM_001377959.1, NM_199436.2); short protein forms G158A, G159A.
Identifiers: ClinVar variation 3633898 (VCV003633898.2).